The following is an entry in ClinVar:

ClinVar aggregate classification (germline): Likely benign (1 of 4 stars; one submission).

Allele frequency attached by ClinVar (database versions not stated): ExAC 0.00267; 1000 Genomes Project 0.00280; gnomAD 0.00280; ESP Exome Variant Server 0.00300; TOPMed 0.00306; 1000 Genomes Project 30x 0.00312; gnomAD exomes 0.00350.
gnomAD v4.1: 5,521 of 1,609,026 alleles (0.34%); highest among the groups gnomAD compares: Middle Eastern, 0.51%; 13 homozygotes.

Submission:

CeGaT Center for Human Genetics Tuebingen
Classification: Likely benign. Last evaluated: 2024-11-01. Review status: criteria provided, single submitter. Criteria: CeGaT Center For Human Genetics Tuebingen Variant Classification Criteria Version 2. Collection method: clinical testing. Allele origin: germline. Affected: yes. Observed: 2 variant alleles.
Comment: ELF3: BP4, BP7, BS2

NM_004433.5(ELF3):c.516C>T (p.Asp172=)

Gene: ELF3 (E74 like ETS transcription factor 3; plus strand). Cytogenetic location: 1q32.1.
Variant type: single nucleotide variant.
Coding change: c.516C>T on transcript NM_004433.5 (MANE Select); coding-DNA position 516, C replaced by T.
Protein change: p.Asp172=; no amino-acid change (aspartic acid 172 retained).
Molecular consequence: synonymous variant.
Genome position (GRCh38, 1-based): chr1:202,012,677, C>T. VCF-style: chr1-202012677-C-T. GRCh37 (hg19) VCF-style: chr1-201981805-C-T.
Other names: c.516C>T, p.Asp172= (NM_001114309.2).
Identifiers: ClinVar variation 2639785 (VCV002639785.24), dbSNP rs35927825, ClinGen allele CA1329710.